The following is an entry in ClinVar:

ClinVar aggregate classification (germline): Uncertain significance (1 of 4 stars; one submission).

Submission:

Labcorp Genetics (formerly Invitae), Labcorp
Classification: Uncertain significance. Last evaluated: 2022-07-23. Review status: criteria provided, single submitter. Criteria: Invitae Variant Classification Sherloc (09022015). Collection method: clinical testing. Allele origin: germline.
Comment: In summary, the available evidence is currently insufficient to determine the role of this variant in disease. Therefore, it has been classified as a Variant of Uncertain Significance. Algorithms developed to predict the effect of missense changes on protein structure and function are either unavailable or do not agree on the potential impact of this missense change (SIFT: "Deleterious"; PolyPhen-2: "Probably Damaging"; Align-GVGD: "Class C0"). This variant has not been reported in the literature in individuals affected with MSH3-related conditions. This variant is not present in population databases (gnomAD no frequency). This sequence change replaces alanine, which is neutral and non-polar, with valine, which is neutral and non-polar, at codon 924 of the MSH3 protein (p.Ala924Val).

NM_002439.5(MSH3):c.2771C>T (p.Ala924Val)

Gene: MSH3 (mutS homolog 3; plus strand). Cytogenetic location: 5q14.1.
Variant type: single nucleotide variant.
Coding change: c.2771C>T on transcript NM_002439.5 (MANE Select); coding-DNA position 2771, C replaced by T.
Protein change: p.Ala924Val; replaces alanine 924 with valine.
Molecular consequence: missense variant.
Genome position (GRCh38, 1-based): chr5:80,813,699, C>T. VCF-style: chr5-80813699-C-T. GRCh37 (hg19) VCF-style: chr5-80109518-C-T.
Other names: short protein forms A924V.
Identifiers: ClinVar variation 1999232 (VCV001999232.4), dbSNP rs2112054482, ClinGen allele CA360274043.